The following is an entry in ClinVar:

ClinVar aggregate classification (germline): Likely pathogenic (0 of 4 stars; one submission).

Conditions:
ASXL3-related disorder. Also called: ASXL3-related condition. Identifiers: MedGen CN381524.

Submission:

PreventionGenetics, part of Exact Sciences
Classification: Likely pathogenic for ASXL3-related condition. Last evaluated: 2024-06-22. Review status: no assertion criteria provided. Collection method: clinical testing. Allele origin: germline.
Comment: The ASXL3 c.1626dupT variant is predicted to result in a frameshift and premature protein termination (p.Leu543Serfs*13). To our knowledge, this variant has not been reported in the literature or in a large population database, indicating this variant is rare. Frameshift variants in ASXL3 are expected to be pathogenic. This variant is interpreted as likely pathogenic.

NM_030632.3(ASXL3):c.1626dup (p.Leu543fs)

Gene: ASXL3 (ASXL transcriptional regulator 3; plus strand). Cytogenetic location: 18q12.1.
Variant type: Duplication.
Coding change: c.1626dup on transcript NM_030632.3 (MANE Select); coding-DNA position 1626, one base duplicated (T; older notation c.1626dupT).
Protein change: p.Leu543fs; shifts the reading frame from leucine 543.
Molecular consequence: frameshift variant.
Genome position (GRCh38, 1-based): chr18:33,739,030, T duplicated. VCF-style (leftmost placement, unchanged base first): chr18-33739029-C-CT. GRCh37 (hg19) VCF-style: chr18-31318993-C-CT.
Other names: short protein forms L543fs.
Identifiers: ClinVar variation 3344196 (VCV003344196.1).